The following is an entry in ClinVar:

NM_024664.4(PPCS):c.730C>T (p.Arg244Trp)

Genes: CCDC30 (coiled-coil domain containing 30; plus strand), PPCS (phosphopantothenoylcysteine synthetase; plus strand). Cytogenetic location: 1p34.2.
Variant type: single nucleotide variant.
Coding change: c.730C>T on transcript NM_024664.4 (MANE Select); coding-DNA position 730, C replaced by T.
Protein change: p.Arg244Trp; replaces arginine 244 with tryptophan.
Molecular consequence: missense variant. On other transcripts: intron variant (2).
Genome position (GRCh38, 1-based): chr1:42,459,720, C>T. VCF-style: chr1-42459720-C-T. GRCh37 (hg19) VCF-style: chr1-42925391-C-T.
Other names: c.211C>T, p.Arg71Trp (NM_001077447.3, NM_001287506.1, NM_001287508.2 and 2 more transcripts); c.112C>T, p.Arg38Trp (NM_001287507.1); c.-880+2370C>T (NM_001355226.2); c.612+2370C>T (NM_001287511.2); short protein forms R244W, R71W, R38W.
Identifiers: ClinVar variation 1973251 (VCV001973251.2), dbSNP rs748847721, ClinGen allele CA800062.
Genomic context (GRCh38, chr1:42,459,720, plus strand): 5'-AAAGCATTTATAATTTCCTTTAAGTTGGAGACTGACCCCGCCATTGTAATTAATCGAGCT[C>T]GGAAGGCTTTGGAAATTTATCAGCATCAAGTGGTGGTGGCTAATATCCTTGAGTCACGAC-3'
Protein context (NP_078940.2, residues 234-254): TDPAIVINRA[Arg244Trp]KALEIYQHQV

ClinVar aggregate classification (germline): Uncertain significance (1 of 4 stars; one submission).

Allele frequency attached by ClinVar (database versions not stated): TOPMed 0.00003; gnomAD exomes below 0.00001; ExAC 0.00001; gnomAD 0.00001.
gnomAD v4.1: 8 of 1,614,014 alleles (0.0005%); highest among the groups gnomAD compares: African/African-American, 0.0053%; no homozygotes.

Submission:

Labcorp Genetics (formerly Invitae), Labcorp
Classification: Uncertain significance. Last evaluated: 2022-05-27. Review status: criteria provided, single submitter. Criteria: Invitae Variant Classification Sherloc (09022015). Collection method: clinical testing. Allele origin: germline.
Comment: This sequence change replaces arginine, which is basic and polar, with tryptophan, which is neutral and slightly polar, at codon 244 of the PPCS protein (p.Arg244Trp). This variant is present in population databases (rs748847721, gnomAD 0.02%). This variant has not been reported in the literature in individuals affected with PPCS-related conditions. Algorithms developed to predict the effect of missense changes on protein structure and function are either unavailable or do not agree on the potential impact of this missense change (SIFT: "Deleterious"; PolyPhen-2: "Probably Damaging"; Align-GVGD: "Class C15"). In summary, the available evidence is currently insufficient to determine the role of this variant in disease. Therefore, it has been classified as a Variant of Uncertain Significance.